The following is an entry in ClinVar:

NM_001082486.2(ACD):c.1331A>G (p.His444Arg)

Gene: ACD (ACD shelterin complex subunit and telomerase recruitment factor; minus strand). Cytogenetic location: 16q22.1.
Variant type: single nucleotide variant.
Coding change: c.1331A>G on transcript NM_001082486.2 (MANE Select); coding-DNA position 1331, A replaced by G.
Protein change: p.His444Arg; replaces histidine 444 with arginine.
Molecular consequence: missense variant.
Genome position (GRCh38, 1-based): chr16:67,657,652, T>C on the plus strand (A>G on the coding strand, the complement: ACD is on the minus strand). VCF-style: chr16-67657652-T-C. GRCh37 (hg19) VCF-style: chr16-67691555-T-C.
Other names: c.1244A>G, p.His415Arg (NM_001410884.1); c.1322A>G, p.His441Arg (NM_022914.3); short protein forms H415R, H441R, H444R.
Identifiers: ClinVar variation 3232651 (VCV003232651.1), dbSNP rs1215364797, ClinGen allele CA396349646.
Genomic context (GRCh38, chr16:67,657,652, plus strand): 5'-TCCTGCGTGACGTCTCACATCGGAGTTGGCTCAGACCCTGGCTGTGCATCCATCAGAAAG[T>C]GCAAGGCCCAGGCCATGAGCTGGGGAGGAAGCCTGGAAAGAAACCACCGCTGCAGGTCAA-3'
Protein context (NP_001075955.2, residues 434-454): LPPQLMAWAL[His444Arg]FLMDAQPGSE

ClinVar aggregate classification (germline): Uncertain significance (1 of 4 stars; one submission).

Conditions:
Inborn genetic diseases. Identifiers: MedGen C0950123, MeSH D030342.

Submission:

Ambry Genetics
Classification: Uncertain significance for Inborn genetic diseases. Last evaluated: 2024-01-29. Review status: criteria provided, single submitter. Criteria: Ambry Variant Classification Scheme 2023. Collection method: clinical testing. Allele origin: germline.
Comment: The p.H530R variant (also known as c.1589A>G), located in coding exon 12 of the ACD gene, results from an A to G substitution at nucleotide position 1589. The histidine at codon 530 is replaced by arginine, an amino acid with highly similar properties. This amino acid position is conserved. In addition, this alteration is predicted to be tolerated by in silico analysis. Based on the available evidence, the clinical significance of this alteration remains unclear.